The following is an entry in ClinVar:

NM_004656.4(BAP1):c.1363T>C (p.Ser455Pro)

Gene: BAP1 (BRCA1 associated deubiquitinase 1; minus strand). Cytogenetic location: 3p21.1.
Variant type: single nucleotide variant.
Coding change: c.1363T>C on transcript NM_004656.4 (MANE Select); coding-DNA position 1363, T replaced by C.
Protein change: p.Ser455Pro; replaces serine 455 with proline.
Molecular consequence: missense variant.
Genome position (GRCh38, 1-based): chr3:52,403,782, A>G on the plus strand (T>C on the coding strand, the complement: BAP1 is on the minus strand). VCF-style: chr3-52403782-A-G. GRCh37 (hg19) VCF-style: chr3-52437798-A-G.
Other names: c.1363T>C (NM_004656.2); short protein forms S455P.
Identifiers: ClinVar variation 628197 (VCV000628197.12), dbSNP rs1559586983, ClinGen allele CA353101802.

ClinVar aggregate classification (germline): Uncertain significance. Review status: criteria provided, multiple submitters, no conflicts (2 of 4 stars). 5 submissions from 5 submitters: Uncertain significance (5). Last evaluated 2026-07-28.

Conditions:
BAP1-related disorder. Also called: BAP1-related condition.
Hereditary cancer-predisposing syndrome. Also called: Neoplastic Syndromes, Hereditary; Hereditary Cancer Syndrome; Hereditary neoplastic syndrome; Tumor predisposition. Identifiers: Orphanet 140162, MedGen C0027672, MeSH D009386, MONDO:0015356.
BAP1-related tumor predisposition syndrome (TPDS1). Also called: BAP1 tumor predisposition syndrome; TUMOR PREDISPOSITION SYNDROME 1; Tumor susceptibility linked to germline BAP1 mutations; COMMON Syndrome. Identifiers: Orphanet 289539, MedGen C3280492, MONDO:0013692, OMIM 614327.

gnomAD v4.1: 1 of 1,613,548 alleles (0.000062%); highest among the groups gnomAD compares: Middle Eastern, 0.016%; no homozygotes.

Submissions (5):

Ambry Genetics
Classification: Uncertain significance for Hereditary cancer-predisposing syndrome. Last evaluated: 2026-07-28. Review status: criteria provided, single submitter. Criteria: Ambry Variant Classification Scheme 2023. Collection method: clinical testing. Allele origin: germline.
Comment: The p.S455P variant (also known as c.1363T>C), located in coding exon 13 of the BAP1 gene, results from a T to C substitution at nucleotide position 1363. The serine at codon 455 is replaced by proline, an amino acid with similar properties. This variant no change to protein function in a high throughput genome editing haploid cell survival functional assay (Waters AJ et al. Nat Genet, 2024 Jul;56:1434-1445). This amino acid position is not well conserved in available vertebrate species. In addition, this alteration is predicted to be tolerated by in silico analysis. Based on the available evidence, the clinical significance of this variant remains unclear.

Center for Genomic Medicine, Rigshospitalet, Copenhagen University Hospital
Classification: Uncertain significance. Last evaluated: 2025-03-04. Review status: criteria provided, single submitter. Criteria: ACMG Guidelines, 2015. Collection method: clinical testing. Allele origin: germline.

Color Diagnostics, LLC DBA Color Health
Classification: Uncertain significance for Hereditary cancer-predisposing syndrome. Last evaluated: 2024-03-06. Review status: criteria provided, single submitter. Criteria: ACMG Guidelines, 2015. Collection method: clinical testing. Allele origin: germline.
Comment: This missense variant replaces serine with proline at codon 455 of the BAP1 protein. Computational prediction is inconclusive regarding the impact of this variant on protein structure and function (internally defined REVEL score threshold 0.5 < inconclusive < 0.7, PMID: 27666373). To our knowledge, functional studies have not been reported for this variant. This variant has not been reported in individuals affected with hereditary cancer in the literature. This variant has not been identified in the general population by the Genome Aggregation Database (gnomAD). The available evidence is insufficient to determine the role of this variant in disease conclusively. Therefore, this variant is classified as a Variant of Uncertain Significance.

Labcorp Genetics (formerly Invitae), Labcorp
Classification: Uncertain significance for BAP1-related tumor predisposition syndrome. Last evaluated: 2023-06-30. Review status: criteria provided, single submitter. Criteria: Invitae Variant Classification Sherloc (09022015). Collection method: clinical testing. Allele origin: germline.
Comment: Advanced modeling of protein sequence and biophysical properties (such as structural, functional, and spatial information, amino acid conservation, physicochemical variation, residue mobility, and thermodynamic stability) performed at Invitae indicates that this missense variant is not expected to disrupt BAP1 protein function. In summary, the available evidence is currently insufficient to determine the role of this variant in disease. Therefore, it has been classified as a Variant of Uncertain Significance. ClinVar contains an entry for this variant (Variation ID: 628197). This variant has not been reported in the literature in individuals affected with BAP1-related conditions. This variant is not present in population databases (gnomAD no frequency). This sequence change replaces serine, which is neutral and polar, with proline, which is neutral and non-polar, at codon 455 of the BAP1 protein (p.Ser455Pro).

PreventionGenetics, part of Exact Sciences
Classification: Uncertain significance for BAP1-related condition. Last evaluated: 2023-01-27. Review status: criteria provided, single submitter. Criteria: ACMG Guidelines, 2015. Collection method: clinical testing. Allele origin: germline.
Comment: The BAP1 c.1363T>C variant is predicted to result in the amino acid substitution p.Ser455Pro. To our knowledge, this variant has not been reported in the literature or in a large population database, indicating this variant is rare. In ClinVar, this variant is interpreted as uncertain. At this time, the clinical significance of this variant is uncertain due to the absence of conclusive functional and genetic evidence.

Literature cited by the submitters: PubMed 38969833 (cited by Ambry Genetics).